The following is an entry in ClinVar:

ClinVar aggregate classification (germline): Uncertain significance (1 of 4 stars; one submission).

Conditions:
Polycystic kidney disease, adult type (PKD1). Also called: Polycystic Kidney Disease 1, Autosomal Dominant; Polycystic kidney disease 1; Polycystic kidney disease 1, severe; POLYCYSTIC KIDNEY DISEASE, ADULT, TYPE I; Polycystic Kidney, Autosomal Dominant; POLYCYSTIC KIDNEY DISEASE 1 WITH OR WITHOUT POLYCYSTIC LIVER DISEASE. Identifiers: MedGen C3149841, MONDO:0008263, OMIM 173900.

Submission:

MVZ Medizinische Genetik Mainz
Classification: Uncertain significance for Polycystic kidney disease, adult type. Last evaluated: 2024-07-11. Review status: criteria provided, single submitter. Criteria: UK Practice Guidelines For Variant Classification V4 01 2020. Collection method: clinical testing. Allele origin: germline. Inheritance: Autosomal dominant inheritance. Affected: yes. Observed: 2 variant alleles.
Comment: ACMG Criteria: PM2_SUP,PP3,PP4

NM_001009944.3(PKD1):c.11270-4del

Genes: PKD1 (polycystin 1, transient receptor potential channel interacting; minus strand), PKD1-AS1 (PKD1 antisense RNA 1; plus strand). Cytogenetic location: 16p13.3.
Variant type: Deletion.
Coding change: c.11270-4del on transcript NM_001009944.3 (MANE Select); 4 bases into the intron before coding-DNA position 11270, one base deleted (T; older notation c.11270-4delT).
Molecular consequence: intron variant.
Genome position (GRCh38, 1-based): chr16:2,092,192, A deleted on the plus strand (T on the coding strand, the reverse complement: PKD1 is on the minus strand); the first of 3 consecutive A bases (chr16:2,092,192-2,092,194); deleting any one gives the same sequence. VCF-style (leftmost placement, unchanged base first): chr16-2092191-GA-G. GRCh37 (hg19) VCF-style: chr16-2142192-GA-G.
Other names: c.11267-4del (NM_000296.4).
Identifiers: ClinVar variation 3256886 (VCV003256886.1).